The following is an entry in ClinVar:

ClinVar aggregate classification (germline): Uncertain significance. Review status: criteria provided, multiple submitters, no conflicts (2 of 4 stars). 2 submissions from 2 submitters: Uncertain significance (2). Last evaluated 2026-02-02.

Conditions:
Hereditary cancer-predisposing syndrome. Also called: Tumor predisposition; Hereditary neoplastic syndrome; Neoplastic Syndromes, Hereditary; Hereditary Cancer Syndrome. Identifiers: Orphanet 140162, MedGen C0027672, MeSH D009386, MONDO:0015356.

Allele frequency attached by ClinVar (database versions not stated): gnomAD exomes 0.00001; ExAC 0.00002.
gnomAD v4.1: 4 of 1,613,056 alleles (0.00025%); highest among the groups gnomAD compares: South Asian, 0.0044%; no homozygotes.

Submissions (2):

Labcorp Genetics (formerly Invitae), Labcorp
Classification: Uncertain significance. Last evaluated: 2026-02-02. Review status: criteria provided, single submitter. Criteria: Invitae Variant Classification Sherloc (09022015). Collection method: clinical testing. Allele origin: germline.
Comment: This sequence change replaces phenylalanine, which is neutral and non-polar, with tyrosine, which is neutral and polar, at codon 94 of the POLE protein (p.Phe94Tyr). This variant is present in population databases (rs764965782, gnomAD 0.01%). This variant has not been reported in the literature in individuals affected with POLE-related conditions. ClinVar contains an entry for this variant (Variation ID: 1500620). Invitae Evidence Modeling of protein sequence and biophysical properties (such as structural, functional, and spatial information, amino acid conservation, physicochemical variation, residue mobility, and thermodynamic stability) indicates that this missense variant is not expected to disrupt POLE protein function with a negative predictive value of 80%. In summary, the available evidence is currently insufficient to determine the role of this variant in disease. Therefore, it has been classified as a Variant of Uncertain Significance.

Ambry Genetics
Classification: Uncertain significance for Hereditary cancer-predisposing syndrome. Last evaluated: 2025-08-20. Review status: criteria provided, single submitter. Criteria: Ambry Variant Classification Scheme 2023. Collection method: clinical testing. Allele origin: germline.
Comment: The p.F94Y variant (also known as c.281T>A), located in coding exon 3 of the POLE gene, results from a T to A substitution at nucleotide position 281. The phenylalanine at codon 94 is replaced by tyrosine, an amino acid with highly similar properties. This amino acid position is conserved. In addition, the in silico prediction for this alteration is inconclusive. Since supporting evidence is limited at this time, the clinical significance of this alteration remains unclear.

NM_006231.4(POLE):c.281T>A (p.Phe94Tyr)

Gene: POLE (DNA polymerase epsilon, catalytic subunit; minus strand). Cytogenetic location: 12q24.33.
Variant type: single nucleotide variant.
Coding change: c.281T>A on transcript NM_006231.4 (MANE Select); coding-DNA position 281, T replaced by A.
Protein change: p.Phe94Tyr; replaces phenylalanine 94 with tyrosine.
Molecular consequence: missense variant.
Genome position (GRCh38, 1-based): chr12:132,680,611, A>T on the plus strand (T>A on the coding strand, the complement: POLE is on the minus strand). VCF-style: chr12-132680611-A-T. GRCh37 (hg19) VCF-style: chr12-133257197-A-T.
Other names: c.281T>A (NM_006231.2); short protein forms F94Y.
Identifiers: ClinVar variation 1500620 (VCV001500620.10), dbSNP rs764965782, ClinGen allele CA6894394.